The following is an entry in ClinVar:

NM_014270.5(SLC7A9):c.228G>A (p.Ala76=)

Gene: SLC7A9 (solute carrier family 7 member 9; minus strand). Cytogenetic location: 19q13.11.
Variant type: single nucleotide variant.
Coding change: c.228G>A on transcript NM_014270.5 (MANE Select); coding-DNA position 228, G replaced by A.
Protein change: p.Ala76=; no amino-acid change (alanine 76 retained).
Molecular consequence: synonymous variant.
Genome position (GRCh38, 1-based): chr19:32,864,636, C>T on the plus strand (G>A on the coding strand, the complement: SLC7A9 is on the minus strand). VCF-style: chr19-32864636-C-T. GRCh37 (hg19) VCF-style: chr19-33355542-C-T.
Other names: p.Ala76=; c.228G>A, p.Ala76= (NM_001126335.2, NM_001243036.2).
Identifiers: ClinVar variation 1582085 (VCV001582085.10), dbSNP rs34310174, ClinGen allele CA9358913.

ClinVar aggregate classification (germline): Likely benign. Review status: criteria provided, multiple submitters, no conflicts (2 of 4 stars). 3 submissions from 3 submitters: Likely benign (3). Last evaluated 2025-02-26.

gnomAD v4.1: 66 of 1,613,472 alleles (0.0041%); highest among the groups gnomAD compares: Middle Eastern, 0.016%; no homozygotes.

Submissions (3):

Mayo Clinic Laboratories, Mayo Clinic
Classification: Likely benign. Last evaluated: 2025-02-26. Review status: criteria provided, single submitter. Criteria: ACMG Guidelines, 2015. Collection method: clinical testing. Allele origin: germline. Observed: 1 variant allele.
Comment: BP4, BP7

Blueprint Genetics
Classification: Likely benign. Last evaluated: 2024-06-14. Review status: criteria provided, single submitter. Criteria: ACMG Guidelines, 2015. Collection method: clinical testing. Allele origin: germline.

Labcorp Genetics (formerly Invitae), Labcorp
Classification: Likely benign. Last evaluated: 2021-09-26. Review status: criteria provided, single submitter. Criteria: Invitae Variant Classification Sherloc (09022015). Collection method: clinical testing. Allele origin: germline.